The following is an entry in ClinVar:

ClinVar aggregate classification (germline): Benign (1 of 4 stars; one submission).

Conditions:
Lynch syndrome 5 (LYNCH5). Also called: Colorectal cancer, hereditary nonpolyposis, type 5; Hereditary non-polyposis colorectal cancer, type 5. Identifiers: Orphanet 144, MedGen C1833477, MONDO:0013710, OMIM 614350. Disease mechanism: loss of function.

gnomAD v4.1: 1 of 1,463,798 alleles (0.000068%); highest among the groups gnomAD compares: Non-Finnish European, 0.00009%; no homozygotes.

Submission:

Myriad Genetics, Inc.
Classification: Benign for Lynch syndrome 5. Last evaluated: 2024-12-17. Review status: criteria provided, single submitter. Criteria: Myriad Autosomal Dominant, Autosomal Recessive and X-Linked Classification Criteria (2023). Collection method: clinical testing. Allele origin: unknown.
Comment: This variant is considered benign. This variant is a silent/synonymous amino acid change and it is not expected to impact splicing.

NM_000179.3(MSH6):c.222A>G (p.Gly74=)

Gene: MSH6 (mutS homolog 6; plus strand). Cytogenetic location: 2p16.3.
Variant type: single nucleotide variant.
Coding change: c.222A>G on transcript NM_000179.3 (MANE Select); coding-DNA position 222, A replaced by G.
Protein change: p.Gly74=; no amino-acid change (glycine 74 retained).
Molecular consequence: synonymous variant. On other transcripts: 5 prime UTR variant (7), missense variant (1), non-coding transcript variant (5), intron variant (5).
Genome position (GRCh38, 1-based): chr2:47,783,455, A>G. VCF-style: chr2-47783455-A-G. GRCh37 (hg19) VCF-style: chr2-48010594-A-G.
Other names: c.222A>G, p.Gly74= (NM_001281492.2, NM_001406795.1, NM_001406796.1 and 9 more transcripts); c.-515A>G (NM_001281493.2, NM_001406811.1); c.-107A>G (NM_001406799.1); c.167A>G, p.Glu56Gly (NM_001406804.1); c.-707A>G (NM_001406807.1); c.-362A>G (NM_001406812.1); c.-773A>G (NM_001406814.1); c.-318A>G (NM_001406816.1); and 3 more; short protein forms E56G.
Identifiers: ClinVar variation 3903579 (VCV003903579.1).